The following is an entry in ClinVar:

ClinVar aggregate classification (germline): Pathogenic/Likely pathogenic. Review status: criteria provided, multiple submitters, no conflicts (2 of 4 stars). 3 submissions from 3 submitters: Pathogenic (1); Likely pathogenic (2). Last evaluated 2025-12-31.

Conditions:
Cardiovascular phenotype. Identifiers: MedGen CN230736.
Dilated cardiomyopathy 1G (CMD1G). Identifiers: Orphanet 154, MedGen C1858763, MONDO:0011400, OMIM 604145.
Autosomal recessive limb-girdle muscular dystrophy type 2J (LGMDR10). Also called: Limb-girdle muscular dystrophy, type 2J; MUSCULAR DYSTROPHY, LIMB-GIRDLE, AUTOSOMAL RECESSIVE 10. Identifiers: Orphanet 140922, MedGen C1837342, MONDO:0012127, OMIM 608807.

Submissions (3):

Ambry Genetics
Classification: Likely pathogenic for Cardiovascular phenotype. Last evaluated: 2025-12-31. Review status: criteria provided, single submitter. Criteria: Ambry Variant Classification Scheme 2023. Collection method: clinical testing. Allele origin: germline.
Comment: The p.Q9482* variant (also known as c.28444C>T), located in coding exon 114 of the TTN gene, results from a C to T substitution at nucleotide position 28444. This changes the amino acid from a glutamine to a stop codon within coding exon 114. This exon is located in the A-band region of the N2-B isoform of the titin protein and is constitutively expressed in TTN transcripts (percent spliced in or PSI 100%). This variant is considered to be rare based on population cohorts in the Genome Aggregation Database (gnomAD). This variant is expected to result in loss of function by premature protein truncation or nonsense-mediated mRNA decay. While truncating variants in TTN are present in 1-3% of the general population, truncating variants in the A-band are the most common cause of dilated cardiomyopathy (Herman DS et al. N. Engl. J. Med., 2012 Feb;366:619-28; Roberts AM et al. Sci Transl Med, 2015 Jan;7:270ra6). TTN truncating variants encoded in constitutive exons (PSI >90%) have been found to be significantly associated with DCM regardless of their position in titin (Schafer S et al. Nat. Genet., 2017 01;49:46-53; Akhtar MM et al. Circ Heart Fail, 2020 Oct;13:e006832; Massier M et al. Clin Genet, 2025 Jan). Based on the majority of available evidence to date, this variant is likely to be pathogenic.

Labcorp Genetics (formerly Invitae), Labcorp
Classification: Likely pathogenic for Dilated cardiomyopathy 1G; Autosomal recessive limb-girdle muscular dystrophy type 2J. Last evaluated: 2023-02-16. Review status: criteria provided, single submitter. Criteria: Invitae Variant Classification Sherloc (09022015). Collection method: clinical testing. Allele origin: germline.
Comment: ClinVar contains an entry for this variant (Variation ID: 978287). This sequence change creates a premature translational stop signal (p.Gln18547*) in the TTN gene. While this is not anticipated to result in nonsense mediated decay, it is expected to create a truncated TTN protein. This variant is not present in population databases (gnomAD no frequency). This variant has not been reported in the literature in individuals affected with TTN-related conditions. This variant is located in the A band of TTN (PMID: 25589632). Truncating variants in this region are significantly overrepresented in patients affected with dilated cardiomyopathy (PMID: 25589632). Truncating variants in this region have also been reported in individuals affected with autosomal recessive centronuclear myopathy (PMID: 23975875). In summary, the currently available evidence indicates that the variant is pathogenic, but additional data are needed to prove that conclusively. Therefore, this variant has been classified as Likely Pathogenic.

Molecular Diagnostic Laboratory for Inherited Cardiovascular Disease, Montreal Heart Institute
Classification: Pathogenic. Last evaluated: 2019-08-29. Review status: criteria provided, single submitter. Criteria: ACMG Guidelines, 2015. Collection method: clinical testing. Allele origin: germline. Affected: yes.

Literature cited by the submitters: PubMed 25589632 (cited by Labcorp Genetics (formerly Invitae), Labcorp); PubMed 23975875 (cited by Labcorp Genetics (formerly Invitae), Labcorp).

NM_001267550.2(TTN):c.55639C>T (p.Gln18547Ter)

Genes: TTN (titin; minus strand), TTN-AS1 (TTN antisense RNA 1; plus strand). Cytogenetic location: 2q31.2.
Variant type: single nucleotide variant.
Coding change: c.55639C>T on transcript NM_001267550.2 (MANE Select); coding-DNA position 55639, C replaced by T.
Protein change: p.Gln18547Ter; replaces glutamine 18547 with a stop codon.
Molecular consequence: nonsense.
Genome position (GRCh38, 1-based): chr2:178,601,358, G>A on the plus strand (C>T on the coding strand, the complement: TTN is on the minus strand). VCF-style: chr2-178601358-G-A. GRCh37 (hg19) VCF-style: chr2-179466085-G-A.
Other names: c.50716C>T, p.Gln16906Ter (NM_001256850.1); c.28444C>T, p.Gln9482Ter (NM_003319.4); c.47935C>T, p.Gln15979Ter (NM_133378.4); c.28819C>T, p.Gln9607Ter (NM_133432.3); c.29020C>T, p.Gln9674Ter (NM_133437.4); short protein forms Q15979*, Q16906*, Q18547*, Q9482*, Q9607*, Q9674*.
Identifiers: ClinVar variation 978287 (VCV000978287.6), dbSNP rs2053403381, ClinGen allele CA349539546.